The following is an entry in ClinVar:

ClinVar aggregate classification (germline): Uncertain significance (1 of 4 stars; one submission).

Submission:

Labcorp Genetics (formerly Invitae), Labcorp
Classification: Uncertain significance. Last evaluated: 2025-10-28. Review status: criteria provided, single submitter. Criteria: Invitae Variant Classification Sherloc (09022015). Collection method: clinical testing. Allele origin: germline.
Comment: This sequence change replaces tryptophan, which is neutral and slightly polar, with arginine, which is basic and polar, at codon 172 of the OPN1SW protein (p.Trp172Arg). This variant is present in population databases (rs763463416, gnomAD 0.0009%). This variant has not been reported in the literature in individuals affected with OPN1SW-related conditions. An algorithm developed to predict the effect of missense changes on protein structure and function (PolyPhen-2) suggests that this variant is likely to be disruptive. In summary, the available evidence is currently insufficient to determine the role of this variant in disease. Therefore, it has been classified as a Variant of Uncertain Significance.

NM_001385125.1(OPN1SW):c.505T>C (p.Trp169Arg)

Gene: OPN1SW (opsin 1, short wave sensitive; minus strand). Cytogenetic location: 7q32.1.
Variant type: single nucleotide variant.
Coding change: c.505T>C on transcript NM_001385125.1 (MANE Select); coding-DNA position 505, T replaced by C.
Protein change: p.Trp169Arg; replaces tryptophan 169 with arginine.
Molecular consequence: missense variant.
Genome position (GRCh38, 1-based): chr7:128,774,993, A>G on the plus strand (T>C on the coding strand, the complement: OPN1SW is on the minus strand). VCF-style: chr7-128774993-A-G. GRCh37 (hg19) VCF-style: chr7-128415047-A-G.
Other names: short protein forms W169R.
Identifiers: ClinVar variation 4805833 (VCV004805833.1).